The following is an entry in ClinVar:

ClinVar aggregate classification (germline): Uncertain significance (1 of 4 stars; one submission).

Allele frequency attached by ClinVar (database versions not stated): gnomAD exomes below 0.00001.
gnomAD v4.1: 1 of 1,605,410 alleles (0.000062%); highest among the groups gnomAD compares: South Asian, 0.0011%; no homozygotes.

Submission:

GeneDx
Classification: Uncertain significance. Last evaluated: 2021-06-11. Review status: criteria provided, single submitter. Criteria: GeneDx Variant Classification Process June 2021. Collection method: clinical testing. Allele origin: germline. Affected: yes.
Comment: Not observed at significant frequency in large population cohorts (Lek et al., 2016); In silico analysis supports that this missense variant has a deleterious effect on protein structure/function; Has not been previously published as pathogenic or benign to our knowledge; This variant is associated with the following publications: (PMID: 27535533)

NM_001429.4(EP300):c.2812A>G (p.Thr938Ala)

Gene: EP300 (E1A binding protein p300; plus strand). Cytogenetic location: 22q13.2.
Variant type: single nucleotide variant.
Coding change: c.2812A>G on transcript NM_001429.4 (MANE Select); coding-DNA position 2812, A replaced by G.
Protein change: p.Thr938Ala; replaces threonine 938 with alanine.
Molecular consequence: missense variant.
Genome position (GRCh38, 1-based): chr22:41,150,193, A>G. VCF-style: chr22-41150193-A-G. GRCh37 (hg19) VCF-style: chr22-41546197-A-G.
Other names: c.2734A>G, p.Thr912Ala (NM_001362843.2); short protein forms T912A, T938A.
Identifiers: ClinVar variation 1328778 (VCV001328778.2), dbSNP rs2145737964, ClinGen allele CA411692043.